The following is an entry in ClinVar:

NM_001009944.3(PKD1):c.12077T>G (p.Leu4026Arg)

Gene: PKD1 (polycystin 1, transient receptor potential channel interacting; minus strand). Cytogenetic location: 16p13.3.
Variant type: single nucleotide variant.
Coding change: c.12077T>G on transcript NM_001009944.3 (MANE Select); coding-DNA position 12077, T replaced by G.
Protein change: p.Leu4026Arg; replaces leucine 4026 with arginine.
Molecular consequence: missense variant.
Genome position (GRCh38, 1-based): chr16:2,090,735, A>C on the plus strand (T>G on the coding strand, the complement: PKD1 is on the minus strand). VCF-style: chr16-2090735-A-C. GRCh37 (hg19) VCF-style: chr16-2140736-A-C.
Other names: c.12074T>G, p.Leu4025Arg (NM_000296.4); short protein forms L4025R, L4026R.
Identifiers: ClinVar variation 4819084 (VCV004819084.1).
Genomic context (GRCh38, chr16:2,090,735, plus strand): 5'-AGGATGGCCAGCTGGGCGTAGGCTACCCCGAGCACCACCAGGCCCAAGGTGACCCCCAGG[A>C]GCTCTGGCAGAGCTCGGCATAATGTCTTGCCAAAGACGGACCACTGGCGCACGAAGCGTA-3'
Protein context (NP_001009944.3, residues 4016-4036): GKTLCRALPE[Leu4026Arg]LGVTLGLVVL

ClinVar aggregate classification (germline): Uncertain significance (1 of 4 stars; one submission).

Conditions:
Polycystic kidney disease, adult type (PKD1). Also called: Polycystic Kidney Disease 1, Autosomal Dominant; Polycystic kidney disease 1; Polycystic kidney disease 1, severe; Polycystic Kidney, Autosomal Dominant; POLYCYSTIC KIDNEY DISEASE, ADULT, TYPE I; POLYCYSTIC KIDNEY DISEASE 1 WITH OR WITHOUT POLYCYSTIC LIVER DISEASE. Identifiers: MedGen C3149841, MONDO:0008263, OMIM 173900.

Submission:

Victorian Clinical Genetics Services, Murdoch Childrens Research Institute
Classification: Uncertain significance for Polycystic kidney disease, adult type. Last evaluated: 2025-12-21. Review status: criteria provided, single submitter. Criteria: ACMG Guidelines, 2015. Collection method: clinical testing. Allele origin: germline. Affected: yes.
Comment: This variant is classified as VUS-3A. Evidence in support of pathogenic classification: Variant is absent from gnomAD (v2, v3 and v4); Other missense variant comparable to the one identified in this case have limited previous evidence for pathogenicity. p.(Leu4026Phe) has been reported in the literature in an individual with ADPKD (PMID: 29801666). p.(Leu4026Val) has been classified as a VUS by a clinical laboratory in ClinVar; Missense variant predicted to be damaging by in silico tool(s) or highly conserved with a major amino acid change. Additional information: Variant is predicted to result in a missense amino acid change from Leu to Arg; This variant is heterozygous; This gene is associated with autosomal dominant disease. Polycystic kidney disease 1 (MIM#173900) is predominantly caused by monoallelic variants, with rare reports of biallelic variants causing disease (OMIM); Alternative amino acid change(s) at the same position are present in gnomAD (highest allele count: v4: 24 heterozygote(s), 0 homozygote(s)); This variant has no previous evidence of pathogenicity; No published evidence of segregation with disease has been identified for this variant; No published functional evidence has been identified for this variant; Variant is located in the annotated polycystin cation channel domain (DECIPHER). - Loss of function is a known mechanism of disease in this gene and is associated with polycystic kidney disease 1 (MIM#173900); Inheritance information for this variant is not currently available in this individual.

Literature cited by the submitters: PubMed 29801666.